The following is an entry in ClinVar:

ClinVar aggregate classification (germline): Pathogenic/Likely pathogenic. Review status: criteria provided, multiple submitters, no conflicts (2 of 4 stars). 5 submissions from 5 submitters: Pathogenic (3); Likely pathogenic (2). Last evaluated 2025-02-17.

Conditions:
Autosomal recessive Kenny-Caffey syndrome (KCS1). Identifiers: Orphanet 2333, Orphanet 93324, MedGen C1855648, MONDO:0009486, OMIM 244460.
Hypoparathyroidism-retardation-dysmorphism syndrome (HRDS). Also called: SANJAD-SAKATI SYNDROME. Identifiers: Orphanet 2323, MedGen C1855840, MONDO:0009426, OMIM 241410.
Encephalopathy, progressive, with amyotrophy and optic atrophy (PEAMO). Identifiers: MedGen C4310667, MONDO:0014968, OMIM 617207.
TBCE-related disorder. Also called: TBCE-related disorders; TBCE-related condition.

Allele frequency attached by ClinVar (database versions not stated): gnomAD exomes 0.00001 and 0.00003; TOPMed 0.00002; ExAC 0.00005.

Submissions (5):

Women's Health and Genetics/Laboratory Corporation of America, LabCorp
Classification: Pathogenic for TBCE-Related Disorder. Last evaluated: 2025-02-17. Review status: criteria provided, single submitter. Criteria: LabCorp Variant Classification Summary - May 2015. Collection method: clinical testing. Allele origin: germline.
Comment: Variant summary: TBCE c.143_144delAG (p.Lys48ThrfsX2) results in a premature termination codon, predicted to cause a truncation of the encoded protein or absence of the protein due to nonsense mediated decay, which are commonly known mechanisms for disease. The variant allele was found at a frequency of 3.2e-05 in 251484 control chromosomes. c.143_144delAG has been reported in the literature in a compound heterozygous individual affected with TBCE-Related Disorder (Xiang_2024). These report(s) do not provide unequivocal conclusions about association of the variant with TBCE-Related Disorder. To our knowledge, no experimental evidence demonstrating an impact on protein function has been reported. The following publication have been ascertained in the context of this evaluation (PMID: 39252126). ClinVar contains an entry for this variant (Variation ID: 225483). Based on the evidence outlined above, the variant was classified as pathogenic.

Labcorp Genetics (formerly Invitae), Labcorp
Classification: Pathogenic. Last evaluated: 2024-02-19. Review status: criteria provided, single submitter. Criteria: Invitae Variant Classification Sherloc (09022015). Collection method: clinical testing. Allele origin: germline.
Comment: This sequence change creates a premature translational stop signal (p.Lys48Thrfs*2) in the TBCE gene. It is expected to result in an absent or disrupted protein product. Loss-of-function variants in TBCE are known to be pathogenic (PMID: 27666369, 34134906, 34356170). This variant is present in population databases (rs758937799, gnomAD 0.05%). This variant has not been reported in the literature in individuals affected with TBCE-related conditions. ClinVar contains an entry for this variant (Variation ID: 225483). For these reasons, this variant has been classified as Pathogenic.

Revvity Omics, Revvity
Classification: Pathogenic. Last evaluated: 2019-11-20. Review status: criteria provided, single submitter. Criteria: ACMG Guidelines, 2015. Collection method: clinical testing. Allele origin: germline.

Soonchunhyang University Bucheon Hospital, Soonchunhyang University Medical Center
Classification: Likely pathogenic for Hypoparathyroidism-retardation-dysmorphism syndrome; Autosomal recessive Kenny-Caffey syndrome. Last evaluated: 2016-03-18. Review status: criteria provided, single submitter. Criteria: ACMG Guidelines, 2015. Collection method: reference population. Allele origin: germline. Observed: 1 variant allele.

Juno Genomics, Hangzhou Juno Genomics, Inc
Classification: Likely pathogenic for Encephalopathy, progressive, with amyotrophy and optic atrophy; Hypoparathyroidism-retardation-dysmorphism syndrome; Autosomal recessive Kenny-Caffey syndrome. Review status: criteria provided, single submitter. Criteria: ACMG Guidelines, 2015. Collection method: clinical testing. Allele origin: germline.
Comment: Absent from controls (or at extremely low frequency if recessive) in Genome Aggregation Database.;Null variant in a gene where loss of function (LOF) is a known mechanism of disease.

Literature cited by the submitters: PubMed 39252126 (cited by Women's Health and Genetics/Laboratory Corporation of America, LabCorp); PubMed 27666369 (cited by Labcorp Genetics (formerly Invitae), Labcorp); PubMed 34134906 (cited by Labcorp Genetics (formerly Invitae), Labcorp); PubMed 34356170 (cited by Labcorp Genetics (formerly Invitae), Labcorp); PubMed 12389028 (cited by Soonchunhyang University Bucheon Hospital, Soonchunhyang University Medical Center).

NM_003193.5(TBCE):c.143_144del (p.Lys48fs)

Gene: TBCE (tubulin folding cofactor E; plus strand). Cytogenetic location: 1q42.3.
Variant type: Deletion.
Coding change: c.143_144del on transcript NM_003193.5 (MANE Select); coding-DNA positions 143 to 144, 2 bases deleted (AG; older notation c.143_144delAG).
Protein change: p.Lys48fs; shifts the reading frame from lysine 48.
Molecular consequence: frameshift variant. On other transcripts: intron variant (1).
Genome position (GRCh38, 1-based): chr1:235,401,545-235,401,546, AG deleted. VCF-style (leftmost placement, unchanged base first): chr1-235401544-AAG-A. GRCh37 (hg19) VCF-style: chr1-235564859-AAG-A.
Other names: c.143_144delAG (NM_003193.5); c.143_144del, p.Lys48fs (NM_001079515.3, NM_001287801.2); c.-210-12888_-210-12887del (NM_001287802.2); short protein forms K48fs.
Identifiers: ClinVar variation 225483 (VCV000225483.12), dbSNP rs758937799, ClinGen allele CA1463937.